The following is an entry in ClinVar:

ClinVar aggregate classification (germline): Likely benign (0 of 4 stars; one submission).

Conditions:
ITGA9-related disorder. Also called: ITGA9-related condition.

Allele frequency attached by ClinVar (database versions not stated): ESP Exome Variant Server 0.00015.
gnomAD v4.1: 67 of 1,593,132 alleles (0.0042%); highest among the groups gnomAD compares: African/African-American, 0.046%; no homozygotes.

Submission:

PreventionGenetics, part of Exact Sciences
Classification: Likely benign for ITGA9-related condition. Last evaluated: 2019-04-01. Review status: no assertion criteria provided. Collection method: clinical testing. Allele origin: germline.
Comment: This variant is classified as likely benign based on ACMG/AMP sequence variant interpretation guidelines (Richards et al. 2015 PMID: 25741868, with internal and published modifications).

NM_002207.3(ITGA9):c.2234+6G>T

Gene: ITGA9 (integrin subunit alpha 9; plus strand). Cytogenetic location: 3p22.2.
Variant type: single nucleotide variant.
Coding change: c.2234+6G>T on transcript NM_002207.3 (MANE Select); 6 bases into the intron after coding-DNA position 2234, G replaced by T.
Molecular consequence: intron variant.
Genome position (GRCh38, 1-based): chr3:37,736,989, G>T. VCF-style: chr3-37736989-G-T. GRCh37 (hg19) VCF-style: chr3-37778480-G-T.
Identifiers: ClinVar variation 3058766 (VCV003058766.2), dbSNP rs112785572, ClinGen allele CA2311104.